The following is an entry in ClinVar:

NM_000077.5(CDKN2A):c.198C>G (p.His66Gln)

Gene: CDKN2A (cyclin dependent kinase inhibitor 2A; minus strand). Cytogenetic location: 9p21.3.
Variant type: single nucleotide variant.
Coding change: c.198C>G on transcript NM_000077.5; coding-DNA position 198, C replaced by G.
Protein change: p.His66Gln; replaces histidine 66 with glutamine.
Molecular consequence: missense variant (on NM_000077.6). On other transcripts: 3 prime UTR variant (1).
Genome position (GRCh38, 1-based): chr9:21,971,161, G>C on the plus strand (C>G on the coding strand, the complement: CDKN2A is on the minus strand). VCF-style: chr9-21971161-G-C. GRCh37 (hg19) VCF-style: chr9-21971160-G-C.
Other names: c.198C>G, p.His66Gln (NM_000077.6, NM_001195132.2); c.45C>G, p.His15Gln (NM_001363763.2); c.241C>G, p.Arg81Gly (NM_058195.4); c.*121C>G (NM_058197.5); short protein forms H66Q, R81G, H15Q.
Identifiers: ClinVar variation 573530 (VCV000573530.18), dbSNP rs374984975, ClinGen allele CA5012209.

ClinVar aggregate classification (germline): Uncertain significance. Review status: criteria provided, multiple submitters, no conflicts (2 of 4 stars). 6 submissions from 6 submitters: Uncertain significance (6). Last evaluated 2025-11-23.

Conditions:
Melanoma-pancreatic cancer syndrome. Identifiers: Orphanet 404560, MedGen C1838547, MONDO:0011713, OMIM 606719. Disease mechanism: loss of function.
Melanoma, cutaneous malignant, susceptibility to, 2 (CMM2). Also called: Cutaneous malignant melanoma 2; CDKN2A-Related Cutaneous Malignant Melanoma. Identifiers: Orphanet 618, MedGen C1835044, MONDO:0007964, OMIM 155601.
Melanoma and neural system tumor syndrome. Also called: MELANOMA-ASTROCYTOMA SYNDROME. Identifiers: Orphanet 252206, MedGen C1835042, MONDO:0007967, OMIM 155755.
Hereditary cancer-predisposing syndrome. Also called: Hereditary neoplastic syndrome; Neoplastic Syndromes, Hereditary; Hereditary Cancer Syndrome; Tumor predisposition. Identifiers: Orphanet 140162, MedGen C0027672, MeSH D009386, MONDO:0015356.
Familial melanoma. Also called: Hereditary melanoma; Hereditary cutaneous melanoma. Identifiers: Orphanet 618, MedGen C1512419, MONDO:0018961.

gnomAD v4.1: 9 of 1,595,044 alleles (0.00056%); highest among the groups gnomAD compares: Non-Finnish European, 0.00076%; no homozygotes.

Submissions (6):

Labcorp Genetics (formerly Invitae), Labcorp
Classification: Uncertain significance for Familial melanoma. Last evaluated: 2025-11-23. Review status: criteria provided, single submitter. Criteria: Invitae Variant Classification Sherloc (09022015). Collection method: clinical testing. Allele origin: germline.
Comment: The CDKN2A gene encodes two different proteins, p16INK4a and p14ARF, which are translated from alternative transcripts with different open reading frames. Both transcripts have been analyzed. We report either the variant with the higher classification or default to the CDKN2A (p16INK4a) variant. This report therefore includes the details for the CDKN2A (p16INK4a) variant. This sequence change replaces histidine, which is basic and polar, with glutamine, which is neutral and polar, at codon 66 of the CDKN2A (p16INK4a) protein (p.His66Gln). This variant is present in population databases (rs374984975, gnomAD 0.001%). This variant has not been reported in the literature in individuals affected with CDKN2A (p16INK4a)-related conditions. This variant is also known as c.241C>G (p.Arg81Gly) in the CDKN2A (p14ARF) transcript. ClinVar contains an entry for this variant (Variation ID: 573530). An algorithm developed to predict the effect of missense changes on protein structure and function (PolyPhen-2) suggests that this variant is likely to be tolerated. In summary, the available evidence is currently insufficient to determine the role of this variant in disease. Therefore, it has been classified as a Variant of Uncertain Significance.

GeneDx
Classification: Uncertain significance. Last evaluated: 2024-03-28. Review status: criteria provided, single submitter. Criteria: GeneDx Variant Classification Process June 2021. Collection method: clinical testing. Allele origin: germline. Affected: yes.
Comment: Not observed at significant frequency in large population cohorts (gnomAD); In silico analysis supports that this missense variant has a deleterious effect on protein structure/function; Has not been previously published as pathogenic or benign to our knowledge; This variant is associated with the following publications: (PMID: 16354195, 18538737, 30967399, 33134534)

Ambry Genetics
Classification: Uncertain significance for Hereditary cancer-predisposing syndrome. Last evaluated: 2024-01-29. Review status: criteria provided, single submitter. Criteria: Ambry Variant Classification Scheme 2023. Collection method: clinical testing. Allele origin: germline.
Comment: The p.H66Q variant (also known as c.198C>G), located in coding exon 2 of the CDKN2A gene, results from a C to G substitution at nucleotide position 198. The histidine at codon 66 is replaced by glutamine, an amino acid with highly similar properties. This amino acid position is not well conserved in available vertebrate species. In addition, the in silico prediction for this alteration is inconclusive. Since supporting evidence is limited at this time, the clinical significance of this alteration remains unclear.

Women's Health and Genetics/Laboratory Corporation of America, LabCorp
Classification: Uncertain significance. Last evaluated: 2022-12-27. Review status: criteria provided, single submitter. Criteria: LabCorp Variant Classification Summary - May 2015. Collection method: clinical testing. Allele origin: germline.
Comment: Variant summary: CDKN2A c.198C>G (p.His66Gln) results in a non-conservative amino acid change in the encoded protein sequence. Four of five in-silico tools predict a damaging effect of the variant on protein function. The variant allele was found at a frequency of 4.7e-06 in 214172 control chromosomes. The available data on variant occurrences in the general population are insufficient to allow any conclusion about variant significance. c.198C>G has been reported in the literature in cancer cells from OPSCC and Melanoma patients, although the variant was not confirmed to be of a germline origin rather than somatic (Yang_2005, Khandelwal_2020). These reports do not provide unequivocal conclusions about association of the variant with Cutaneous Malignant Melanoma. At least one publication reports experimental evidence evaluating an impact on p32 binding in the ARF protein, derived from an alternate transcript in which the variant would result in p.Arg81Gly (Itahana_2008). This showed that this residue occurs in or near a p32 binding domain and that the variant may inhibit p32 binding. Three submitters have provided clinical-significance assessments for this variant to ClinVar after 2014 , and all laboratories classified the variant as uncertain significance. Based on the evidence outlined above, the variant was classified as uncertain significance.

Fulgent Genetics
Classification: Uncertain significance for Melanoma, cutaneous malignant, susceptibility to, 2; Melanoma and neural system tumor syndrome; Melanoma-pancreatic cancer syndrome. Last evaluated: 2021-12-22. Review status: criteria provided, single submitter. Criteria: ACMG Guidelines, 2015. Collection method: clinical testing. Allele origin: unknown.

Color Diagnostics, LLC DBA Color Health
Classification: Uncertain significance for Hereditary cancer-predisposing syndrome. Last evaluated: 2018-12-12. Review status: criteria provided, single submitter. Criteria: ACMG Guidelines, 2015. Collection method: clinical testing. Allele origin: germline.

Literature cited by the submitters: PubMed 16354195 (cited by Women's Health and Genetics/Laboratory Corporation of America, LabCorp); PubMed 18538737 (cited by Women's Health and Genetics/Laboratory Corporation of America, LabCorp); PubMed 33134534 (cited by Women's Health and Genetics/Laboratory Corporation of America, LabCorp); PubMed 30967399 (cited by Women's Health and Genetics/Laboratory Corporation of America, LabCorp).